The following is an entry in ClinVar:

ClinVar aggregate classification (germline): Uncertain significance (1 of 4 stars; one submission).

Conditions:
Intellectual developmental disorder, X-linked 1. Also called: Atkin Flaitz Patil Smith syndrome; Intellectual disability, X-linked 1; MENTAL RETARDATION, X-LINKED 18; MENTAL RETARDATION, X-LINKED 78. Identifiers: Orphanet 777, MedGen C2931498, MONDO:0010656, OMIM 309530.

Submission:

Labcorp Genetics (formerly Invitae), Labcorp
Classification: Uncertain significance for Intellectual developmental disorder, X-linked 1. Last evaluated: 2020-07-16. Review status: criteria provided, single submitter. Criteria: Invitae Variant Classification Sherloc (09022015). Collection method: clinical testing. Allele origin: germline.
Comment: This sequence change replaces methionine with isoleucine at codon 336 of the IQSEC2 protein (p.Met336Ile). The methionine residue is moderately conserved and there is a small physicochemical difference between methionine and isoleucine. This variant is not present in population databases (ExAC no frequency). This variant has not been reported in the literature in individuals with IQSEC2-related conditions. Algorithms developed to predict the effect of missense changes on protein structure and function are either unavailable or do not agree on the potential impact of this missense change (SIFT: "Tolerated"; PolyPhen-2: "Possibly Damaging"; Align-GVGD: "Class C0"). In summary, the available evidence is currently insufficient to determine the role of this variant in disease. Therefore, it has been classified as a Variant of Uncertain Significance.

NM_001111125.3(IQSEC2):c.1008G>T (p.Met336Ile)

Gene: IQSEC2 (IQ motif and Sec7 domain ArfGEF 2; minus strand). Cytogenetic location: Xp11.22.
Variant type: single nucleotide variant.
Coding change: c.1008G>T on transcript NM_001111125.3 (MANE Select); coding-DNA position 1008, G replaced by T.
Protein change: p.Met336Ile; replaces methionine 336 with isoleucine.
Molecular consequence: missense variant.
Genome position (GRCh38, 1-based): chrX:53,254,923, C>A on the plus strand (G>T on the coding strand, the complement: IQSEC2 is on the minus strand). VCF-style: chrX-53254923-C-A. GRCh37 (hg19) VCF-style: chrX-53284105-C-A.
Other names: c.393G>T, p.Met131Ile (NM_015075.2); short protein forms M131I, M336I.
Identifiers: ClinVar variation 1002042 (VCV001002042.9), dbSNP rs2074444300, ClinGen allele CA413170765.